The following is an entry in ClinVar:

NM_000206.3(IL2RG):c.235_236delinsT (p.Glu79fs)

Gene: IL2RG (interleukin 2 receptor subunit gamma; minus strand). Cytogenetic location: Xq13.1.
Variant type: Indel.
Coding change: c.235_236delinsT on transcript NM_000206.3 (MANE Select); coding-DNA positions 235 to 236, GA replaced by T.
Protein change: p.Glu79fs; shifts the reading frame from glutamic acid 79.
Molecular consequence: frameshift variant.
Genome position (GRCh38, 1-based): chrX:71,110,930-71,110,931, TC replaced by A on the plus strand (GA replaced by T on the coding strand, the reverse complement: IL2RG is on the minus strand). VCF-style: chrX-71110930-TC-A. GRCh37 (hg19) VCF-style: chrX-70330780-TC-A.
Other names: short protein forms E79fs.
Identifiers: ClinVar variation 1725342 (VCV001725342.2), dbSNP rs2519647922, ClinGen allele CA2580101348.

ClinVar aggregate classification (germline): Likely pathogenic (1 of 4 stars; one submission).

Conditions:
X-linked severe combined immunodeficiency (SCIDX1). Also called: IMMUNODEFICIENCY 4; SCID, X-LINKED; SEVERE COMBINED IMMUNODEFICIENCY, X-LINKED, T CELL-NEGATIVE, B CELL-POSITIVE, NK CELL-NEGATIVE; T-B+ severe combined immunodeficiency due to gamma chain deficiency; X-Linked Combined Immunodeficiency Diseases. Identifiers: Orphanet 276, MedGen C6022468, MONDO:0010315, OMIM 300400. Disease mechanism: loss of function.

Submission:

Myriad Genetics, Inc.
Classification: Likely pathogenic for X-linked severe combined immunodeficiency. Last evaluated: 2022-03-17. Review status: criteria provided, single submitter. Criteria: Myriad Women's Health Autosomal Recessive and X-Linked Classification Criteria (2021). Collection method: clinical testing. Allele origin: unknown.
Comment: NM_000206.2(IL2RG):c.235_236delGAinsT(E79Cfs*68) is expected to be pathogenic in the context of X-linked severe combined immunodeficiency. This variant is predicted to lead to an abnormal or absent protein product due to the creation of a premature termination codon in IL2RG, a gene where loss-of-function variants are known to be pathogenic. Please note: this variant was assessed in the context of healthy population screening.